The following is an entry in ClinVar:

ClinVar aggregate classification (germline): Conflicting classifications of pathogenicity. Review status: criteria provided, conflicting classifications (1 of 4 stars). 4 submissions from 4 submitters: Uncertain significance (1); Likely benign (2). 1 of the submissions does not count toward it. Last evaluated 2026-01-11.

Conditions:
ERCC6-related disorder. Also called: ERCC6-related disorders; ERCC6-related condition. Identifiers: MedGen CN239385.

Allele frequency attached by ClinVar (database versions not stated): gnomAD exomes 0.00008 and 0.00025; ExAC 0.00030; ESP Exome Variant Server 0.00046; TOPMed 0.00075; gnomAD 0.00079 and 0.00082; 1000 Genomes Project 0.00120; 1000 Genomes Project 30x 0.00141.
gnomAD v4.1: 251 of 1,614,166 alleles (0.016%); highest among the groups gnomAD compares: African/African-American, 0.27%; 3 homozygotes.

Submissions (4):

Labcorp Genetics (formerly Invitae), Labcorp
Classification: Likely benign. Last evaluated: 2026-01-11. Review status: criteria provided, single submitter. Criteria: Invitae Variant Classification Sherloc (09022015). Collection method: clinical testing. Allele origin: germline.

GeneDx
Classification: Likely benign. Last evaluated: 2021-08-02. Review status: criteria provided, single submitter. Criteria: GeneDx Variant Classification Process June 2021. Collection method: clinical testing. Allele origin: germline. Affected: yes.
Comment: In silico analysis, which includes protein predictors and evolutionary conservation, supports that this variant does not alter protein structure/function

Eurofins Ntd Llc (ga)
Classification: Uncertain significance. Last evaluated: 2018-05-09. Review status: criteria provided, single submitter. Criteria: EGL ClinVar v180209 classification definitions. Collection method: clinical testing. Allele origin: germline. Observed: 2 variant alleles, 2 heterozygotes.

PreventionGenetics, part of Exact Sciences
Classification: Likely benign for ERCC6-related condition. Last evaluated: 2023-02-01. Review status: no assertion criteria provided. Collection method: clinical testing. Allele origin: germline. Not counted in ClinVar's aggregate classification.
Comment: This variant is classified as likely benign based on ACMG/AMP sequence variant interpretation guidelines (Richards et al. 2015 PMID: 25741868, with internal and published modifications).

NM_000124.4(ERCC6):c.3719G>T (p.Ser1240Ile)

Gene: ERCC6 (ERCC excision repair 6, chromatin remodeling factor; minus strand). Cytogenetic location: 10q11.23.
Variant type: single nucleotide variant.
Coding change: c.3719G>T on transcript NM_000124.4 (MANE Select); coding-DNA position 3719, G replaced by T.
Protein change: p.Ser1240Ile; replaces serine 1240 with isoleucine.
Molecular consequence: missense variant.
Genome position (GRCh38, 1-based): chr10:49,470,241, C>A on the plus strand (G>T on the coding strand, the complement: ERCC6 is on the minus strand). VCF-style: chr10-49470241-C-A. GRCh37 (hg19) VCF-style: chr10-50678287-C-A.
Other names: c.3719G>T, p.Ser1240Ile (NM_001346440.2); short protein forms S1240I.
Identifiers: ClinVar variation 593257 (VCV000593257.22), dbSNP rs142219494, ClinGen allele CA5495291.